The following is an entry in ClinVar:

NM_004333.6(BRAF):c.1673G>A (p.Arg558Gln)

Gene: BRAF (B-Raf proto-oncogene, serine/threonine kinase; minus strand). Cytogenetic location: 7q34.
Variant type: single nucleotide variant.
Coding change: c.1673G>A on transcript NM_004333.6 (MANE Select); coding-DNA position 1673, G replaced by A.
Protein change: p.Arg558Gln; replaces arginine 558 with glutamine.
Molecular consequence: missense variant.
Genome position (GRCh38, 1-based): chr7:140,776,933, C>T on the plus strand (G>A on the coding strand, the complement: BRAF is on the minus strand). VCF-style: chr7-140776933-C-T. GRCh37 (hg19) VCF-style: chr7-140476733-C-T.
Other names: c.1673G>A, p.Arg558Gln (NM_001354609.2, NM_001378468.1, NM_001378474.1); c.1793G>A, p.Arg598Gln (NM_001374244.1, NM_001374258.1); c.1682G>A, p.Arg561Gln (NM_001378467.1); c.1607G>A, p.Arg536Gln (NM_001378469.1); c.1571G>A, p.Arg524Gln (NM_001378470.1); c.1562G>A, p.Arg521Gln (NM_001378471.1); c.1517G>A, p.Arg506Gln (NM_001378472.1, NM_001378473.1); c.1409G>A, p.Arg470Gln (NM_001378475.1); short protein forms R470Q, R506Q, R521Q, R524Q, R536Q, R558Q, R561Q, R598Q.
Identifiers: ClinVar variation 1677764 (VCV001677764.5), dbSNP rs1278812236, ClinGen allele CA369587827.

ClinVar aggregate classification (germline): Uncertain significance. Review status: criteria provided, multiple submitters, no conflicts (2 of 4 stars). 3 submissions from 3 submitters: Uncertain significance (3). Last evaluated 2024-09-12.

Conditions:
RASopathy. Also called: rasopathies; Noonan spectrum disorder. Identifiers: Orphanet 536391, MedGen C5555857, MONDO:0021060.

Allele frequency attached by ClinVar (database versions not stated): gnomAD exomes below 0.00001 and 0.00001; TOPMed 0.00002.
gnomAD v4.1: 4 of 1,613,016 alleles (0.00025%); highest among the groups gnomAD compares: Non-Finnish European, 0.00034%; no homozygotes.

Submissions (3):

Labcorp Genetics (formerly Invitae), Labcorp
Classification: Uncertain significance for RASopathy. Last evaluated: 2024-09-12. Review status: criteria provided, single submitter. Criteria: Invitae Variant Classification Sherloc (09022015). Collection method: clinical testing. Allele origin: germline.
Comment: This sequence change replaces arginine, which is basic and polar, with glutamine, which is neutral and polar, at codon 558 of the BRAF protein (p.Arg558Gln). This variant is present in population databases (no rsID available, gnomAD 0.002%). This missense change has been observed in individual(s) with neurodevelopmental disorder (PMID: 33004838). ClinVar contains an entry for this variant (Variation ID: 1677764). Invitae Evidence Modeling of protein sequence and biophysical properties (such as structural, functional, and spatial information, amino acid conservation, physicochemical variation, residue mobility, and thermodynamic stability) indicates that this missense variant is not expected to disrupt BRAF protein function with a negative predictive value of 80%. Experimental studies have shown that this missense change affects BRAF function (PMID: 31515458). In summary, the available evidence is currently insufficient to determine the role of this variant in disease. Therefore, it has been classified as a Variant of Uncertain Significance.

Women's Health and Genetics/Laboratory Corporation of America, LabCorp
Classification: Uncertain significance. Last evaluated: 2022-05-02. Review status: criteria provided, single submitter. Criteria: LabCorp Variant Classification Summary - May 2015. Collection method: clinical testing. Allele origin: germline.
Comment: Variant summary: BRAF c.1673G>A (p.Arg558Gln) results in a conservative amino acid change located in the Protein kinase domain of the encoded protein sequence. Four of five in-silico tools predict a damaging effect of the variant on protein function. The variant allele was found at a frequency of 8e-06 in 251320 control chromosomes. The available data on variant occurrences in the general population are insufficient to allow any conclusion about variant significance. c.1673G>A has been reported in the literature in a cohort of patients with neurodevelopmental disorders (Wang_2020). This report does not provide unequivocal conclusions about association of the variant with Cardiofaciocutaneous Syndrome. To our knowledge, no experimental evidence demonstrating an impact on protein function has been reported. No clinical diagnostic laboratories have submitted clinical-significance assessments for this variant to ClinVar after 2014. Based on the evidence outlined above, the variant was classified as uncertain significance.

AiLife Diagnostics
Classification: Uncertain significance. Last evaluated: 2022-01-01. Review status: criteria provided, single submitter. Criteria: ACMG Guidelines, 2015. Collection method: clinical testing. Allele origin: germline. Affected: yes. Observed: 1 variant allele.

Literature cited by the submitters: PubMed 33004838 (cited by 3 submitters); PubMed 31515458 (cited by Labcorp Genetics (formerly Invitae), Labcorp and Women's Health and Genetics/Laboratory Corporation of America, LabCorp).